The following is an entry in ClinVar:

NM_001035.3(RYR2):c.13102_13103delinsTT (p.Glu4368Leu)

Genes: RYR2 (ryanodine receptor 2; plus strand), LOC126806068 (BRD4-independent group 4 enhancer GRCh37_chr1:237947411-237948610; plus strand). Cytogenetic location: 1q43.
Variant type: Indel.
Coding change: c.13102_13103delinsTT on transcript NM_001035.3 (MANE Select); coding-DNA positions 13102 to 13103, GA replaced by TT.
Protein change: p.Glu4368Leu; replaces glutamic acid 4368 with leucine.
Molecular consequence: missense variant.
Genome position (GRCh38, 1-based): chr1:237,784,814-237,784,815, GA replaced by TT. VCF-style: chr1-237784814-GA-TT. GRCh37 (hg19) VCF-style: chr1-237948114-GA-TT.
Other names: short protein forms E4368L.
Identifiers: ClinVar variation 4766082 (VCV004766082.1).

ClinVar aggregate classification (germline): Uncertain significance (1 of 4 stars; one submission).

Conditions:
Catecholaminergic polymorphic ventricular tachycardia 1. Also called: RYR2-Related Catecholaminergic Polymorphic Ventricular Tachycardia; VENTRICULAR TACHYCARDIA, STRESS-INDUCED POLYMORPHIC 1; VENTRICULAR TACHYCARDIA, CATECHOLAMINERGIC POLYMORPHIC, 1, WITH OR WITHOUT ATRIAL DYSFUNCTION AND/OR DILATED CARDIOMYOPATHY. Identifiers: Orphanet 3286, MedGen C1631597, MONDO:0011484, OMIM 604772.

Submission:

Labcorp Genetics (formerly Invitae), Labcorp
Classification: Uncertain significance for Catecholaminergic polymorphic ventricular tachycardia 1. Last evaluated: 2025-03-31. Review status: criteria provided, single submitter. Criteria: Invitae Variant Classification Sherloc (09022015). Collection method: clinical testing. Allele origin: germline.
Comment: This sequence change replaces glutamic acid, which is acidic and polar, with leucine, which is neutral and non-polar, at codon 4368 of the RYR2 protein (p.Glu4368Leu). Information on the frequency of this variant in the gnomAD database is not available, as this variant may be reported differently in the database. This variant has not been reported in the literature in individuals affected with RYR2-related conditions. An algorithm developed to predict the effect of missense changes on protein structure and function (PolyPhen-2) suggests that this variant is likely to be tolerated. In summary, the available evidence is currently insufficient to determine the role of this variant in disease. Therefore, it has been classified as a Variant of Uncertain Significance.